The following is an entry in ClinVar:

ClinVar aggregate classification (germline): Likely benign. Review status: criteria provided, single submitter (1 of 4 stars). 2 submissions from 2 submitters: Likely benign (1). 1 of the submissions does not count toward it. Last evaluated 2019-12-31.

Conditions:
CSMD1-related disorder. Also called: CSMD1-related condition.

Allele frequency attached by ClinVar (database versions not stated): 1000 Genomes Project 30x 0.00016; ESP Exome Variant Server 0.00098; TOPMed 0.00131; gnomAD 0.00159.
gnomAD v4.1: 2,314 of 1,608,084 alleles (0.14%); highest among the groups gnomAD compares: Admixed American, 0.23%; 4 homozygotes.

Submissions (2):

Labcorp Genetics (formerly Invitae), Labcorp
Classification: Likely benign. Last evaluated: 2019-12-31. Review status: criteria provided, single submitter. Criteria: Invitae Variant Classification Sherloc (09022015). Collection method: clinical testing. Allele origin: germline.

PreventionGenetics, part of Exact Sciences
Classification: Likely benign for CSMD1-related condition. Last evaluated: 2019-05-31. Review status: no assertion criteria provided. Collection method: clinical testing. Allele origin: germline. Not counted in ClinVar's aggregate classification.
Comment: This variant is classified as likely benign based on ACMG/AMP sequence variant interpretation guidelines (Richards et al. 2015 PMID: 25741868, with internal and published modifications).

NM_033225.6(CSMD1):c.818+10G>C

Gene: CSMD1 (CUB and Sushi multiple domains 1; minus strand). Cytogenetic location: 8p23.2.
Variant type: single nucleotide variant.
Coding change: c.818+10G>C on transcript NM_033225.6 (MANE Select); 10 bases into the intron after coding-DNA position 818, G replaced by C.
Molecular consequence: intron variant.
Genome position (GRCh38, 1-based): chr8:3,997,893, C>G on the plus strand (G>C on the coding strand, the complement: CSMD1 is on the minus strand). VCF-style: chr8-3997893-C-G. GRCh37 (hg19) VCF-style: chr8-3855415-C-G.
Identifiers: ClinVar variation 712967 (VCV000712967.6), dbSNP rs182868860, ClinGen allele CA4609429.
Genomic context (GRCh38, chr8:3,997,893, plus strand): 5'-GAAGCTCGTTGGGGGAAAAAACGGGGAAAACACACCTGTATCCTTTGTGGCATCTCTTCC[C>G]GGGACTTACCATATGGATGGAGCTTCCGTGCCACTGATCTCTAAGAAATCATATCCTTCT-3'